The following is an entry in ClinVar:

NM_001040167.2(LFNG):c.1030G>A (p.Val344Ile)

Gene: LFNG (LFNG O-fucosylpeptide 3-beta-N-acetylglucosaminyltransferase; plus strand). Cytogenetic location: 7p22.3.
Variant type: single nucleotide variant.
Coding change: c.1030G>A on transcript NM_001040167.2 (MANE Select); coding-DNA position 1030, G replaced by A.
Protein change: p.Val344Ile; replaces valine 344 with isoleucine.
Molecular consequence: missense variant.
Genome position (GRCh38, 1-based): chr7:2,526,878, G>A. VCF-style: chr7-2526878-G-A. GRCh37 (hg19) VCF-style: chr7-2566512-G-A.
Other names: c.1030G>A, p.Val344Ile (NM_001040168.2); c.817G>A, p.Val273Ile (NM_001166355.2); c.643G>A, p.Val215Ile (NM_002304.3); short protein forms V215I, V344I, V273I.
Identifiers: ClinVar variation 3866919 (VCV003866919.2).

ClinVar aggregate classification (germline): Conflicting classifications of pathogenicity. Review status: criteria provided, conflicting classifications (1 of 4 stars). 2 submissions from 2 submitters: Uncertain significance (1); Likely benign (1). Last evaluated 2025-04-07.

Conditions:
Inborn genetic diseases. Identifiers: MedGen C0950123, MeSH D030342.

Submissions (2):

GeneDx
Classification: Uncertain significance. Last evaluated: 2025-04-07. Review status: criteria provided, single submitter. Criteria: GeneDx Variant Classification Process June 2021. Collection method: clinical testing. Allele origin: germline. Affected: yes.
Comment: Not observed at significant frequency in large population cohorts (gnomAD); In silico analysis indicates that this missense variant does not alter protein structure/function; Has not been previously published as pathogenic or benign to our knowledge

Ambry Genetics
Classification: Likely benign for Inborn genetic diseases. Last evaluated: 2025-01-26. Review status: criteria provided, single submitter. Criteria: Ambry Variant Classification Scheme 2023. Collection method: clinical testing. Allele origin: germline.